The following is an entry in ClinVar:

ClinVar aggregate classification (germline): Likely pathogenic (1 of 4 stars; one submission).

Submission:

GeneDx
Classification: Likely pathogenic. Last evaluated: 2025-06-04. Review status: criteria provided, single submitter. Criteria: GeneDx Variant Classification Process June 2021. Collection method: clinical testing. Allele origin: germline. Affected: yes.
Comment: Not observed at significant frequency in large population cohorts (gnomAD); In silico analysis supports that this missense variant has a deleterious effect on protein structure/function; Has not been previously published as pathogenic or benign to our knowledge

NM_058004.4(PI4KA):c.5833G>A (p.Ala1945Thr)

Gene: PI4KA (phosphatidylinositol 4-kinase alpha; minus strand). Cytogenetic location: 22q11.21.
Variant type: single nucleotide variant.
Coding change: c.5833G>A on transcript NM_058004.4 (MANE Select); coding-DNA position 5833, G replaced by A.
Protein change: p.Ala1945Thr; replaces alanine 1945 with threonine.
Molecular consequence: missense variant.
Genome position (GRCh38, 1-based): chr22:20,711,431, C>T on the plus strand (G>A on the coding strand, the complement: PI4KA is on the minus strand). VCF-style: chr22-20711431-C-T. GRCh37 (hg19) VCF-style: chr22-21065719-C-T.
Other names: c.5740G>A, p.Ala1914Thr (NM_001362862.2); c.5767G>A, p.Ala1923Thr (NM_001362863.2); short protein forms A1914T, A1923T, A1945T.
Identifiers: ClinVar variation 4536233 (VCV004536233.1).